The following is an entry in ClinVar:

NM_001044.5(SLC6A3):c.163G>T (p.Val55Leu)

Gene: SLC6A3 (solute carrier family 6 member 3). Cytogenetic location: 5p15.33.
Variant type: single nucleotide variant.
Coding change: c.163G>T on transcript NM_001044.5 (MANE Select); coding-DNA position 163, G replaced by T.
Protein change: p.Val55Leu; replaces valine 55 with leucine.
Molecular consequence: missense variant.
Genome position (GRCh38, 1-based): chr5:1,443,035, C>A on the plus strand (G>T on the coding strand, the complement: SLC6A3 is on the minus strand). VCF-style: chr5-1443035-C-A. GRCh37 (hg19) VCF-style: chr5-1443150-C-A.
Other names: short protein forms V55L.
Identifiers: ClinVar variation 2199765 (VCV002199765.4), dbSNP rs751986313, ClinGen allele CA359064686.

ClinVar aggregate classification (germline): Uncertain significance (1 of 4 stars; one submission).

Conditions:
Parkinsonism-dystonia, infantile. Identifiers: Orphanet 238455, MedGen C2751067, MONDO:0013150.

gnomAD v4.1: 7 of 1,614,236 alleles (0.00043%); highest among the groups gnomAD compares: East Asian, 0.016%; no homozygotes.

Submission:

Labcorp Genetics (formerly Invitae), Labcorp
Classification: Uncertain significance for Parkinsonism-dystonia, infantile. Last evaluated: 2022-07-11. Review status: criteria provided, single submitter. Criteria: Invitae Variant Classification Sherloc (09022015). Collection method: clinical testing. Allele origin: germline.
Comment: In summary, the available evidence is currently insufficient to determine the role of this variant in disease. Therefore, it has been classified as a Variant of Uncertain Significance. Algorithms developed to predict the effect of missense changes on protein structure and function output the following: SIFT: "Tolerated"; PolyPhen-2: "Benign"; Align-GVGD: "Class C0". The leucine amino acid residue is found in multiple mammalian species, which suggests that this missense change does not adversely affect protein function. This variant has not been reported in the literature in individuals affected with SLC6A3-related conditions. This variant is present in population databases (no rsID available, gnomAD 0.006%). This sequence change replaces valine, which is neutral and non-polar, with leucine, which is neutral and non-polar, at codon 55 of the SLC6A3 protein (p.Val55Leu).